The following is an entry in ClinVar:

ClinVar aggregate classification (germline): Uncertain significance. Review status: criteria provided, multiple submitters, no conflicts (2 of 4 stars). 3 submissions from 3 submitters: Uncertain significance (3). Last evaluated 2026-01-11.

Conditions:
Hereditary cancer-predisposing syndrome. Also called: Neoplastic Syndromes, Hereditary; Hereditary neoplastic syndrome; Hereditary Cancer Syndrome; Tumor predisposition. Identifiers: Orphanet 140162, MedGen C0027672, MeSH D009386, MONDO:0015356.
POLD1-related polyposis and colorectal cancer syndrome (CRCS10). Also called: Colorectal cancer, susceptibility to, 10; Colorectal cancer 10; COLORECTAL CANCER, SUSCEPTIBILITY TO, ON CHROMOSOME 19q. Identifiers: Orphanet 220460, MedGen C2675481, MONDO:0012953, OMIM 612591.

Allele frequency attached by ClinVar (database versions not stated): gnomAD 0.00001; TOPMed 0.00001.
gnomAD v4.1: 16 of 1,599,282 alleles (0.001%); highest among the groups gnomAD compares: East Asian, 0.0023%; no homozygotes.

Submissions (3):

Labcorp Genetics (formerly Invitae), Labcorp
Classification: Uncertain significance for POLD1-related polyposis and colorectal cancer syndrome. Last evaluated: 2026-01-11. Review status: criteria provided, single submitter. Criteria: Invitae Variant Classification Sherloc (09022015). Collection method: clinical testing. Allele origin: germline.
Comment: This sequence change replaces alanine, which is neutral and non-polar, with valine, which is neutral and non-polar, at codon 308 of the POLD1 protein (p.Ala308Val). The frequency data for this variant in the population databases is considered unreliable, as metrics indicate poor data quality at this position in the gnomAD database. This variant has not been reported in the literature in individuals affected with POLD1-related conditions. ClinVar contains an entry for this variant (Variation ID: 408017). Invitae Evidence Modeling of protein sequence and biophysical properties (such as structural, functional, and spatial information, amino acid conservation, physicochemical variation, residue mobility, and thermodynamic stability) indicates that this missense variant is not expected to disrupt POLD1 protein function with a negative predictive value of 80%. In summary, the available evidence is currently insufficient to determine the role of this variant in disease. Therefore, it has been classified as a Variant of Uncertain Significance.

Quest Diagnostics Nichols Institute San Juan Capistrano
Classification: Uncertain significance. Last evaluated: 2025-07-04. Review status: criteria provided, single submitter. Criteria: Quest Diagnostics criteria. Collection method: clinical testing. Allele origin: unknown.
Comment: The POLD1 c.923C>T (p.Ala308Val) variant has not been reported in individuals with POLD1-related conditions in the published literature. The frequency of this variant in the general population (Genome Aggregation Database) is uninformative in the assessment of its pathogenicity. Analysis of this variant using bioinformatics tools for the prediction of the effect of amino acid changes on protein structure and function yielded predictions that this variant is damaging. Based on the available information, we are unable to determine the clinical significance of this variant.

Ambry Genetics
Classification: Uncertain significance for Hereditary cancer-predisposing syndrome. Last evaluated: 2025-04-18. Review status: criteria provided, single submitter. Criteria: Ambry Variant Classification Scheme 2023. Collection method: clinical testing. Allele origin: germline.
Comment: The p.A308V variant (also known as c.923C>T), located in coding exon 7 of the POLD1 gene, results from a C to T substitution at nucleotide position 923. The alanine at codon 308 is replaced by valine, an amino acid with similar properties. This amino acid position is well conserved in available vertebrate species. In addition, the in silico prediction for this alteration is inconclusive. Based on the available evidence, the clinical significance of this variant remains unclear.

NM_002691.4(POLD1):c.923C>T (p.Ala308Val)

Gene: POLD1 (DNA polymerase delta 1, catalytic subunit; plus strand). Cytogenetic location: 19q13.33.
Variant type: single nucleotide variant.
Coding change: c.923C>T on transcript NM_002691.4 (MANE Select); coding-DNA position 923, C replaced by T.
Protein change: p.Ala308Val; replaces alanine 308 with valine.
Molecular consequence: missense variant. On other transcripts: non-coding transcript variant (1).
Genome position (GRCh38, 1-based): chr19:50,402,694, C>T. VCF-style: chr19-50402694-C-T. GRCh37 (hg19) VCF-style: chr19-50905951-C-T.
Other names: c.923C>T (NM_002691.2); c.923C>T, p.Ala308Val (NM_001256849.1, NM_001308632.1); short protein forms A308V.
Identifiers: ClinVar variation 408017 (VCV000408017.11), dbSNP rs1060501823, ClinGen allele CA16616367.